The following is an entry in ClinVar:

ClinVar aggregate classification (germline): Uncertain significance. Review status: criteria provided, multiple submitters, no conflicts (2 of 4 stars). 3 submissions from 3 submitters: Uncertain significance (3). Last evaluated 2025-01-19.

Conditions:
Familial thoracic aortic aneurysm and aortic dissection (TAAD). Also called: Thoracic aortic aneurysms and dissections. Identifiers: Orphanet 91387, MedGen C4707243, MONDO:0019625.
Rienhoff syndrome. Also called: LOEYS-DIETZ SYNDROME 5. Identifiers: MedGen C3810012, MONDO:0014262, OMIM 615582.

Allele frequency attached by ClinVar (database versions not stated): gnomAD exomes below 0.00001; ExAC 0.00001.
gnomAD v4.1: 5 of 1,613,314 alleles (0.00031%); highest among the groups gnomAD compares: Non-Finnish European, 0.00042%; no homozygotes.

Submissions (3):

Ambry Genetics
Classification: Uncertain significance for Familial thoracic aortic aneurysm and aortic dissection. Last evaluated: 2025-01-19. Review status: criteria provided, single submitter. Criteria: Ambry Variant Classification Scheme 2023. Collection method: clinical testing. Allele origin: germline.
Comment: The p.E216G variant (also known as c.647A>G) is located in coding exon 4 of the TGFB3 gene. The glutamic acid at codon 216 is replaced by glycine, an amino acid with similar properties. This change occurs in the first base pair of coding exon 4. This amino acid position is conserved. In addition, this alteration is predicted to be tolerated by in silico analysis. Based on the available evidence, the clinical significance of this variant remains unclear.

Labcorp Genetics (formerly Invitae), Labcorp
Classification: Uncertain significance for Rienhoff syndrome. Last evaluated: 2023-10-30. Review status: criteria provided, single submitter. Criteria: Invitae Variant Classification Sherloc (09022015). Collection method: clinical testing. Allele origin: germline.
Comment: This sequence change replaces glutamic acid, which is acidic and polar, with glycine, which is neutral and non-polar, at codon 216 of the TGFB3 protein (p.Glu216Gly). This variant is present in population databases (rs775486607, gnomAD 0.0009%). This variant has not been reported in the literature in individuals affected with TGFB3-related conditions. An algorithm developed to predict the effect of missense changes on protein structure and function (PolyPhen-2) suggests that this variant is likely to be tolerated. In summary, the available evidence is currently insufficient to determine the role of this variant in disease. Therefore, it has been classified as a Variant of Uncertain Significance.

Cambridge Genomics Laboratory, East Genomic Laboratory Hub, NHS Genomic Medicine Service
Classification: Uncertain significance for Familial thoracic aortic aneurysm and aortic dissection. Last evaluated: 2020-03-03. Review status: criteria provided, single submitter. Criteria: ACGS Best Practice Guidelines for Variant Classification in Rare Disease 2020. Collection method: clinical testing. Allele origin: germline. Affected: yes. Observed: 1 variant allele.

NM_003239.5(TGFB3):c.647A>G (p.Glu216Gly)

Gene: TGFB3 (transforming growth factor beta 3; minus strand). Cytogenetic location: 14q24.3.
Variant type: single nucleotide variant.
Coding change: c.647A>G on transcript NM_003239.5 (MANE Select); coding-DNA position 647, A replaced by G.
Protein change: p.Glu216Gly; replaces glutamic acid 216 with glycine.
Molecular consequence: missense variant.
Genome position (GRCh38, 1-based): chr14:75,965,695, T>C on the plus strand (A>G on the coding strand, the complement: TGFB3 is on the minus strand). VCF-style: chr14-75965695-T-C. GRCh37 (hg19) VCF-style: chr14-76432038-T-C.
Other names: c.647A>G, p.Glu216Gly (NM_001329938.2, NM_001329939.2); short protein forms E216G.
Identifiers: ClinVar variation 2716547 (VCV002716547.5), dbSNP rs775486607, ClinGen allele CA7280375.
Genomic context (GRCh38, chr14:75,965,695, plus strand): 5'-CCATTGGGCTGAAAGGTGTGACATGGACAGTGAATGCTGATTTCTAGACCTAAGTTGGAC[T>C]CTGCAAAATAAGACAGAATTAGTGAGAAAAGCACCTCTGTGTGATGGGGAAGTGTGCCCA-3'
Protein context (NP_003230.1, residues 206-226): DTVREWLLRR[Glu216Gly]SNLGLEISIH